The following is an entry in ClinVar:

ClinVar aggregate classification (germline): Uncertain significance. Review status: criteria provided, single submitter (1 of 4 stars). 2 submissions from 2 submitters: Uncertain significance (1). 1 of the submissions does not count toward it. Last evaluated 2014-01-18.

Conditions:
Congenital contractural arachnodactyly (CCA). Also called: Beals-Hecht syndrome; BEALS SYNDROME; Arthrogryposis, distal, type 9. Identifiers: Orphanet 115, MedGen C0220668, MONDO:0007363, OMIM 121050.

Allele frequency attached by ClinVar (database versions not stated): ExAC 0.00001; gnomAD exomes 0.00001; TOPMed 0.00001.

Submissions (2):

GeneDx
Classification: Uncertain significance. Last evaluated: 2014-01-18. Review status: criteria provided, single submitter. Criteria: GeneDx Variant Classification (06012015). Collection method: clinical testing. Allele origin: germline. Affected: yes.
Comment: p.Arg2382Gln (R2382Q) CGA>CAA: c.7145 G>A in exon 57 of the FBN2 gene (NM_001999.3) The R2382Q variant in the FBN2 gene has not been reported as a disease-causing mutation or as a benign polymorphism to our knowledge. The R2382Q variant is a non-conservative amino acid substitution as these residues differ in polarity, charge, size and/or other properties and is more likely to impact secondary structure. The R2382 residue is conserved across species. In silico analysis predicts R2382Q is damaging to the protein structure/function. The R2382Q variant was not observed in approximately 6,500 individuals of European and African American ancestry in the NHLBI Exome Sequencing Project, indicating it is not a common benign variant in these populations. However, no disease-causing mutations in nearby residues have been reported, suggesting this region of the protein may be tolerant of change. This variant was found in TAAD,FBN2.

Foundation for Research in Genetics and Endocrinology, FRIGE's Institute of Human Genetics
Classification: Uncertain significance for Congenital contractural arachnodactyly. Last evaluated: 2018-01-12. Review status: no assertion criteria provided. Collection method: clinical testing. Allele origin: germline. Inheritance: Autosomal dominant inheritance. Affected: yes. Observed: 1 variant allele, 1 heterozygote. Not counted in ClinVar's aggregate classification.
Comment: The observed variant c.7145G>A (p.R2382Q) is not reported in 1000 Genomes and has a minor allele frequency of 0.000008767 in ExAC databases. The in silico prediction of the variant is disease causing by MutationTaster2, tolerated by SIFT, and possibly damaging by PolyPhen2.

NM_001999.4(FBN2):c.7145G>A (p.Arg2382Gln)

Gene: FBN2 (fibrillin 2; minus strand). Cytogenetic location: 5q23.3.
Variant type: single nucleotide variant.
Coding change: c.7145G>A on transcript NM_001999.4 (MANE Select); coding-DNA position 7145, G replaced by A.
Protein change: p.Arg2382Gln; replaces arginine 2382 with glutamine.
Molecular consequence: missense variant.
Genome position (GRCh38, 1-based): chr5:128,278,835, C>T on the plus strand (G>A on the coding strand, the complement: FBN2 is on the minus strand). VCF-style: chr5-128278835-C-T. GRCh37 (hg19) VCF-style: chr5-127614527-C-T.
Other names: short protein forms R2382Q.
Identifiers: ClinVar variation 213426 (VCV000213426.3), dbSNP rs757161476, ClinGen allele CA322814.